The following is an entry in ClinVar:

ClinVar aggregate classification (germline): Benign/Likely benign. Review status: criteria provided, multiple submitters, no conflicts (2 of 4 stars). 4 submissions from 4 submitters: Benign (2); Likely benign (1). 1 of the submissions does not count toward it. Last evaluated 2026-02-02.

Conditions:
STAT3-related disorder. Also called: STAT3-related condition.
Hyper-IgE recurrent infection syndrome 1, autosomal dominant. Also called: Hyper-IgE recurrent infection syndrome 1; Job's Syndrome; STAT3 Hyper IgE Syndrome; HYPER-IgE SYNDROME 1, AUTOSOMAL DOMINANT, WITH RECURRENT INFECTIONS; JOB SYNDROME. Identifiers: Orphanet 2314, MedGen C2936739, MONDO:0007818, OMIM 147060.
STAT3 gain of function. Identifiers: MedGen C4288261.

Allele frequency attached by ClinVar (database versions not stated): gnomAD exomes 0.00011 and 0.00040; ExAC 0.00047; gnomAD 0.00140 and 0.00145; TOPMed 0.00159; 1000 Genomes Project 30x 0.00219; 1000 Genomes Project 0.00240; ESP Exome Variant Server 0.00246.

Submissions (4):

Labcorp Genetics (formerly Invitae), Labcorp
Classification: Benign for STAT3 gain of function; Hyper-IgE recurrent infection syndrome 1, autosomal dominant. Last evaluated: 2026-02-02. Review status: criteria provided, single submitter. Criteria: Invitae Variant Classification Sherloc (09022015). Collection method: clinical testing. Allele origin: germline.

Blueprint Genetics
Classification: Likely benign. Last evaluated: 2024-08-28. Review status: criteria provided, single submitter. Criteria: ACMG Guidelines, 2015. Collection method: clinical testing. Allele origin: germline.

Women's Health and Genetics/Laboratory Corporation of America, LabCorp
Classification: Benign. Last evaluated: 2016-03-21. Review status: criteria provided, single submitter. Criteria: LabCorp Variant Classification Summary - May 2015. Collection method: clinical testing. Allele origin: germline.
Comment: Variant summary: The variant c.1680C>T affects a non-conserved nucleotide, resulting in synonymous amino acid change. 5/5 splice-site tools via Alamut predict that this variant does not affect normal splicing. This variant was found in 57/121404 control chromosomes from broad and large populations of ExAC at a frequency of 0.0004695, primarily found in the African population, which is more than 212 times greater than the maximal expected frequency of a pathogenic allele (0.0000022) in this gene, suggesting this variant is benign. The variant has not been reported in affected individuals in literature and databases. Taken together, this variant has been classified as Benign.

PreventionGenetics, part of Exact Sciences
Classification: Benign for STAT3-related condition. Last evaluated: 2019-08-14. Review status: no assertion criteria provided. Collection method: clinical testing. Allele origin: germline. Not counted in ClinVar's aggregate classification.
Comment: This variant is classified as benign based on ACMG/AMP sequence variant interpretation guidelines (Richards et al. 2015 PMID: 25741868, with internal and published modifications).

NM_139276.3(STAT3):c.1680C>T (p.Ser560=)

Gene: STAT3 (signal transducer and activator of transcription 3; minus strand). Cytogenetic location: 17q21.2.
Variant type: single nucleotide variant.
Coding change: c.1680C>T on transcript NM_139276.3 (MANE Select); coding-DNA position 1680, C replaced by T.
Protein change: p.Ser560=; no amino-acid change (serine 560 retained).
Molecular consequence: synonymous variant.
Genome position (GRCh38, 1-based): chr17:42,323,328, G>A on the plus strand (C>T on the coding strand, the complement: STAT3 is on the minus strand). VCF-style: chr17-42323328-G-A. GRCh37 (hg19) VCF-style: chr17-40475346-G-A.
Other names: c.1680C>T, p.Ser560= (NM_001369512.1, NM_001369513.1, NM_001369514.1 and 10 more transcripts); c.1596C>T, p.Ser532= (NM_001384984.1); c.1602C>T, p.Ser534= (NM_001384985.1); c.1695C>T, p.Ser565= (NM_001384986.1, NM_001384990.1); c.1659C>T, p.Ser553= (NM_001384987.1); c.1584C>T, p.Ser528= (NM_001384989.1); c.1620C>T, p.Ser540= (NM_001384992.1).
Identifiers: ClinVar variation 496544 (VCV000496544.15), dbSNP rs146817483, ClinGen allele CA8575239.